The following is an entry in ClinVar:

NM_058216.3(RAD51C):c.257C>T (p.Thr86Ile)

Gene: RAD51C (RAD51 paralog C; plus strand). Cytogenetic location: 17q22.
Variant type: single nucleotide variant.
Coding change: c.257C>T on transcript NM_058216.3 (MANE Select); coding-DNA position 257, C replaced by T.
Protein change: p.Thr86Ile; replaces threonine 86 with isoleucine.
Molecular consequence: missense variant. On other transcripts: non-coding transcript variant (2).
Genome position (GRCh38, 1-based): chr17:58,695,042, C>T. VCF-style: chr17-58695042-C-T. GRCh37 (hg19) VCF-style: chr17-56772403-C-T.
Other names: c.257C>T, p.Thr86Ile (NM_002876.4); short protein forms T86I.
Identifiers: ClinVar variation 231151 (VCV000231151.21), dbSNP rs876658986, ClinGen allele CA10580729.

ClinVar aggregate classification (germline): Uncertain significance. Review status: criteria provided, multiple submitters, no conflicts (2 of 4 stars). 4 submissions from 4 submitters: Uncertain significance (4). Last evaluated 2025-10-25.

Conditions:
Hereditary cancer-predisposing syndrome. Also called: Hereditary Cancer Syndrome; Neoplastic Syndromes, Hereditary; Tumor predisposition; Hereditary neoplastic syndrome. Identifiers: Orphanet 140162, MedGen C0027672, MeSH D009386, MONDO:0015356.
Fanconi anemia complementation group O. Also called: RAD51C-Related Fanconi Anemia. Identifiers: Orphanet 84, MedGen C3150653, MONDO:0013248, OMIM 613390.

Submissions (4):

Ambry Genetics
Classification: Uncertain significance for Hereditary cancer-predisposing syndrome. Last evaluated: 2025-10-25. Review status: criteria provided, single submitter. Criteria: Ambry Variant Classification Scheme 2023. Collection method: clinical testing. Allele origin: germline.
Comment: The p.T86I variant (also known as c.257C>T), located in coding exon 2 of the RAD51C gene, results from a C to T substitution at nucleotide position 257. The threonine at codon 86 is replaced by isoleucine, an amino acid with similar properties. This alteration was identified in a cohort of unselected colorectal cancer patients undergoing multigene panel testing for hereditary cancer risk (Yurgelun MB et al. J. Clin. Oncol. 2017 Apr;35:1086-1095). This amino acid position is highly conserved in available vertebrate species. In addition, the in silico prediction for this alteration is inconclusive. Since supporting evidence is limited at this time, the clinical significance of this alteration remains unclear.

Quest Diagnostics Nichols Institute San Juan Capistrano
Classification: Uncertain significance. Last evaluated: 2023-02-14. Review status: criteria provided, single submitter. Criteria: Quest Diagnostics criteria. Collection method: clinical testing. Allele origin: unknown.
Comment: It has not been reported in large, multi-ethnic general populations. In the published literature, the variant has been reported in an individual with colorectal cancer (CRC) (PMID: 28135145 (2017)). Analysis of this variant using bioinformatics tools for the prediction of the effect of amino acid changes on protein structure and function yielded conflicting predictions that this variant is benign or damaging. Based on the available information, we are unable to determine the clinical significance of this variant.

Labcorp Genetics (formerly Invitae), Labcorp
Classification: Uncertain significance for Fanconi anemia complementation group O. Last evaluated: 2022-07-09. Review status: criteria provided, single submitter. Criteria: Invitae Variant Classification Sherloc (09022015). Collection method: clinical testing. Allele origin: germline.
Comment: ClinVar contains an entry for this variant (Variation ID: 231151). Algorithms developed to predict the effect of missense changes on protein structure and function are either unavailable or do not agree on the potential impact of this missense change (SIFT: "Tolerated"; PolyPhen-2: "Possibly Damaging"; Align-GVGD: "Class C0"). In summary, the available evidence is currently insufficient to determine the role of this variant in disease. Therefore, it has been classified as a Variant of Uncertain Significance. This missense change has been observed in individual(s) with colorectal cancer (PMID: 28135145). This sequence change replaces threonine, which is neutral and polar, with isoleucine, which is neutral and non-polar, at codon 86 of the RAD51C protein (p.Thr86Ile). This variant is not present in population databases (gnomAD no frequency).

Color Diagnostics, LLC DBA Color Health
Classification: Uncertain significance for Hereditary cancer-predisposing syndrome. Last evaluated: 2019-04-03. Review status: criteria provided, single submitter. Criteria: ACMG Guidelines, 2015. Collection method: clinical testing. Allele origin: germline.

Literature cited by the submitters: PubMed 28135145 (cited by 3 submitters).